The following is an entry in ClinVar:

ClinVar aggregate classification (germline): Uncertain significance (1 of 4 stars; one submission).

Conditions:
Hereditary cancer-predisposing syndrome. Also called: Hereditary Cancer Syndrome; Hereditary neoplastic syndrome; Neoplastic Syndromes, Hereditary; Tumor predisposition. Identifiers: Orphanet 140162, MedGen C0027672, MeSH D009386, MONDO:0015356.

Allele frequency attached by ClinVar (database versions not stated): gnomAD exomes below 0.00001; ExAC 0.00001.
gnomAD v4.1: 1 of 1,613,006 alleles (0.000062%); highest among the groups gnomAD compares: South Asian, 0.0011%; no homozygotes.

Submission:

Ambry Genetics
Classification: Uncertain significance for Hereditary cancer-predisposing syndrome. Last evaluated: 2021-03-03. Review status: criteria provided, single submitter. Criteria: Ambry Variant Classification Scheme 2023. Collection method: clinical testing. Allele origin: germline.
Comment: The p.I146T variant (also known as c.437T>C), located in coding exon 4 of the BRIP1 gene, results from a T to C substitution at nucleotide position 437. The isoleucine at codon 146 is replaced by threonine, an amino acid with similar properties. This amino acid position is poorly conserved in available vertebrate species. In addition, this alteration is predicted to be tolerated by in silico analysis. Since supporting evidence is limited at this time, the clinical significance of this alteration remains unclear.

NM_032043.3(BRIP1):c.437T>C (p.Ile146Thr)

Gene: BRIP1 (BRCA1 interacting DNA helicase 1; minus strand). Cytogenetic location: 17q23.2.
Variant type: single nucleotide variant.
Coding change: c.437T>C on transcript NM_032043.3 (MANE Select); coding-DNA position 437, T replaced by C.
Protein change: p.Ile146Thr; replaces isoleucine 146 with threonine.
Molecular consequence: missense variant.
Genome position (GRCh38, 1-based): chr17:61,849,199, A>G on the plus strand (T>C on the coding strand, the complement: BRIP1 is on the minus strand). VCF-style: chr17-61849199-A-G. GRCh37 (hg19) VCF-style: chr17-59926560-A-G.
Other names: short protein forms I146T.
Identifiers: ClinVar variation 1740152 (VCV001740152.2), dbSNP rs774677996, ClinGen allele CA8690933.